The following is an entry in ClinVar:

NM_004168.4(SDHA):c.1086T>G (p.Asp362Glu)

Gene: SDHA (succinate dehydrogenase complex flavoprotein subunit A; plus strand). Cytogenetic location: 5p15.33.
Variant type: single nucleotide variant.
Coding change: c.1086T>G on transcript NM_004168.4 (MANE Select); coding-DNA position 1086, T replaced by G.
Protein change: p.Asp362Glu; replaces aspartic acid 362 with glutamic acid.
Molecular consequence: missense variant.
Genome position (GRCh38, 1-based): chr5:235,165, T>G. VCF-style: chr5-235165-T-G. GRCh37 (hg19) VCF-style: chr5-235280-T-G.
Other names: c.942T>G, p.Asp314Glu (NM_001294332.2); c.1086T>G, p.Asp362Glu (NM_001330758.2); short protein forms D362E, D314E.
Identifiers: ClinVar variation 3793537 (VCV003793537.1).

ClinVar aggregate classification (germline): Uncertain significance (1 of 4 stars; one submission).

Conditions:
Hereditary cancer-predisposing syndrome. Also called: Neoplastic Syndromes, Hereditary; Hereditary Cancer Syndrome; Tumor predisposition; Hereditary neoplastic syndrome. Identifiers: Orphanet 140162, MedGen C0027672, MeSH D009386, MONDO:0015356.

Submission:

Ambry Genetics
Classification: Uncertain significance for Hereditary cancer-predisposing syndrome. Last evaluated: 2024-12-25. Review status: criteria provided, single submitter. Criteria: Ambry Variant Classification Scheme 2023. Collection method: clinical testing. Allele origin: germline.
Comment: The p.D362E variant (also known as c.1086T>G), located in coding exon 9 of the SDHA gene, results from a T to G substitution at nucleotide position 1086. The aspartic acid at codon 362 is replaced by glutamic acid, an amino acid with highly similar properties. This amino acid position is conserved. In addition, this alteration is predicted to be deleterious by in silico analysis. Based on the available evidence, the clinical significance of this variant remains unclear.